The following is an entry in ClinVar:

NM_014049.5(ACAD9):c.1182G>T (p.Val394=)

Gene: ACAD9 (acyl-CoA dehydrogenase family member 9; plus strand). Cytogenetic location: 3q21.3.
Variant type: single nucleotide variant.
Coding change: c.1182G>T on transcript NM_014049.5 (MANE Select); coding-DNA position 1182, G replaced by T.
Protein change: p.Val394=; no amino-acid change (valine 394 retained).
Molecular consequence: synonymous variant. On other transcripts: non-coding transcript variant (1).
Genome position (GRCh38, 1-based): chr3:128,906,153, G>T. VCF-style: chr3-128906153-G-T. GRCh37 (hg19) VCF-style: chr3-128624996-G-T.
Other names: c.1182G>T (NM_014049.4).
Identifiers: ClinVar variation 1629945 (VCV001629945.9), dbSNP rs150567616, ClinGen allele CA2601428.
Genomic context (GRCh38, chr3:128,906,153, plus strand): 5'-GGAAAGGATTCAGTGTGACACCCCACAGGTGTTCAGCTCCGAGGCCGCCTGGCAGTGTGT[G>T]AGTGAGGCGCTGCAGATCCTCGGGGGCTTGGGCTACACAAGGGACTATCCGTACGAGCGC-3'
Protein context (NP_054768.2, residues 384-404): VFSSEAAWQC[Val394=]SEALQILGGL

ClinVar aggregate classification (germline): Likely benign. Review status: criteria provided, single submitter (1 of 4 stars). 2 submissions from 2 submitters: Likely benign (1). 1 of the submissions does not count toward it. Last evaluated 2024-02-17.

Conditions:
ACAD9-related disorder. Also called: ACAD9-related condition.

Allele frequency attached by ClinVar (database versions not stated): gnomAD exomes below 0.00001 and 0.00001; TOPMed below 0.00001; ExAC 0.00001; gnomAD 0.00002; ESP Exome Variant Server 0.00008.

Submissions (2):

Labcorp Genetics (formerly Invitae), Labcorp
Classification: Likely benign. Last evaluated: 2024-02-17. Review status: criteria provided, single submitter. Criteria: Invitae Variant Classification Sherloc (09022015). Collection method: clinical testing. Allele origin: germline.

PreventionGenetics, part of Exact Sciences
Classification: Likely benign for ACAD9-related condition. Last evaluated: 2024-07-09. Review status: no assertion criteria provided. Collection method: clinical testing. Allele origin: germline. Not counted in ClinVar's aggregate classification.
Comment: This variant is classified as likely benign based on ACMG/AMP sequence variant interpretation guidelines (Richards et al. 2015 PMID: 25741868, with internal and published modifications).